The following is an entry in ClinVar:

NM_000089.4(COL1A2):c.2429C>G (p.Pro810Arg)

Gene: COL1A2 (collagen type I alpha 2 chain; plus strand). Cytogenetic location: 7q21.3.
Variant type: single nucleotide variant.
Coding change: c.2429C>G on transcript NM_000089.4 (MANE Select); coding-DNA position 2429, C replaced by G.
Protein change: p.Pro810Arg; replaces proline 810 with arginine.
Molecular consequence: missense variant.
Genome position (GRCh38, 1-based): chr7:94,422,982, C>G. VCF-style: chr7-94422982-C-G. GRCh37 (hg19) VCF-style: chr7-94052294-C-G.
Other names: short protein forms P810R.
Identifiers: ClinVar variation 2933905 (VCV002933905.3), dbSNP rs1792199255, ClinGen allele CA368223915.
Genomic context (GRCh38, chr7:94,422,982, plus strand): 5'-ACAGAAAGGAAATGACCTTGTACATTTGCTCATAGGGTATTTCTGGCCCTCCTGGTCCCC[C>G]TGGTCCTGCTGGGAAAGAAGGGCTTCGTGGTCCTCGTGGTGACCAAGGTCCAGTTGGCCG-3'
Protein context (NP_000080.2, residues 800-820): PSGISGPPGP[Pro810Arg]GPAGKEGLRG

ClinVar aggregate classification (germline): Uncertain significance (1 of 4 stars; one submission).

Conditions:
Osteogenesis imperfecta type I (OI1). Also called: Lobstein disease; OI, TYPE I; OSTEOGENESIS IMPERFECTA TARDA; OSTEOGENESIS IMPERFECTA WITH BLUE SCLERAE; Osteogenesis imperfecta type 1; Lobstein's Disease. Identifiers: Orphanet 216796, Orphanet 666, MedGen C0023931, MONDO:0008146, OMIM 166200. Disease mechanism: loss of function.
Ehlers-Danlos syndrome, classic type, 1 (EDSCL1). Also called: EDS I; EHLERS-DANLOS SYNDROME, GRAVIS TYPE; EHLERS-DANLOS SYNDROME, SEVERE CLASSIC TYPE; Ehlers-Danlos syndrome, type 1; Ehlers-Danlos Syndrome, Classic Type, COL5A1-Related. Identifiers: MedGen C0268335, MONDO:0019567, OMIM 130000.

Allele frequency attached by ClinVar (database versions not stated): gnomAD exomes below 0.00001.
gnomAD v4.1: 1 of 1,614,132 alleles (0.000062%); highest among the groups gnomAD compares: South Asian, 0.0011%; no homozygotes.

Submission:

Labcorp Genetics (formerly Invitae), Labcorp
Classification: Uncertain significance for Osteogenesis imperfecta type I; Ehlers-Danlos syndrome, classic type, 1. Last evaluated: 2023-12-23. Review status: criteria provided, single submitter. Criteria: Invitae Variant Classification Sherloc (09022015). Collection method: clinical testing. Allele origin: germline.
Comment: This sequence change replaces proline, which is neutral and non-polar, with arginine, which is basic and polar, at codon 810 of the COL1A2 protein (p.Pro810Arg). This variant is not present in population databases (gnomAD no frequency). This variant has not been reported in the literature in individuals affected with COL1A2-related conditions. Advanced modeling of protein sequence and biophysical properties (such as structural, functional, and spatial information, amino acid conservation, physicochemical variation, residue mobility, and thermodynamic stability) performed at Invitae indicates that this missense variant is not expected to disrupt COL1A2 protein function with a negative predictive value of 95%. In summary, the available evidence is currently insufficient to determine the role of this variant in disease. Therefore, it has been classified as a Variant of Uncertain Significance.